The following is an entry in ClinVar:

ClinVar aggregate classification (germline): Pathogenic (1 of 4 stars; one submission).

Conditions:
Ataxia-telangiectasia syndrome (AT). Also called: LOUIS-BAR SYNDROME; Cerebello-oculocutaneous telangiectasia; Immunodeficiency with ataxia telangiectasia; Ataxia telangiectasia (A-T); Ataxia-telangiectasia, complementation group D; AT, COMPLEMENTATION GROUP C. Identifiers: Orphanet 100, MedGen C0004135, MONDO:0008840, OMIM 208900.

Submission:

Labcorp Genetics (formerly Invitae), Labcorp
Classification: Pathogenic for Ataxia-telangiectasia syndrome. Last evaluated: 2023-11-02. Review status: criteria provided, single submitter. Criteria: Invitae Variant Classification Sherloc (09022015). Collection method: clinical testing. Allele origin: germline.
Comment: This sequence change creates a premature translational stop signal (p.Asp2458Argfs*19) in the ATM gene. It is expected to result in an absent or disrupted protein product. Loss-of-function variants in ATM are known to be pathogenic (PMID: 23807571, 25614872). This variant is not present in population databases (gnomAD no frequency). This variant has not been reported in the literature in individuals affected with ATM-related conditions. Algorithms developed to predict the effect of sequence changes on RNA splicing suggest that this variant may disrupt the consensus splice site. For these reasons, this variant has been classified as Pathogenic.

Literature cited by the submitters: PubMed 23807571; PubMed 25614872.

NM_000051.4(ATM):c.7370_7371dup (p.Asp2458fs)

Genes: ATM (ATM serine/threonine kinase; plus strand), C11orf65 (chromosome 11 open reading frame 65; minus strand). Cytogenetic location: 11q22.3.
Variant type: Microsatellite.
Coding change: c.7370_7371dup on transcript NM_000051.4 (MANE Select); coding-DNA positions 7370 to 7371, 2 bases duplicated (AG; older notation c.7370_7371dupAG).
Protein change: p.Asp2458fs; shifts the reading frame from aspartic acid 2458.
Molecular consequence: frameshift variant. On other transcripts: intron variant (2).
Genome position (GRCh38, 1-based): chr11:108,330,276-108,330,277, AG duplicated; duplicating any 2 consecutive bases within chr11:108,330,274-108,330,277 gives the same sequence; the c. name uses the placement nearest the transcript's 3' end. VCF-style (leftmost placement, unchanged base first): chr11-108330273-A-AAG. GRCh37 (hg19) VCF-style: chr11-108201000-A-AAG.
Other names: c.7370_7371dup, p.Asp2458fs (NM_001351834.2); c.641-21206CT[3] (NM_001330368.2); c.*38+4943CT[3] (NM_001351110.2); short protein forms D2458fs.
Identifiers: ClinVar variation 2692673 (VCV002692673.3), dbSNP rs1591160284, ClinGen allele CA2697556953.